The following is an entry in ClinVar:

ClinVar aggregate classification (germline): Benign/Likely benign. Review status: criteria provided, multiple submitters, no conflicts (2 of 4 stars). 3 submissions from 3 submitters: Benign (1); Likely benign (2). Last evaluated 2026-06-17.

Conditions:
Polyps, multiple and recurrent inflammatory fibroid, gastrointestinal. Identifiers: MedGen C5193005, MONDO:0008285, OMIM 175510.
Hereditary cancer-predisposing syndrome. Also called: Neoplastic Syndromes, Hereditary; Hereditary Cancer Syndrome; Hereditary neoplastic syndrome; Tumor predisposition. Identifiers: Orphanet 140162, MedGen C0027672, MeSH D009386, MONDO:0015356.
Gastrointestinal stromal tumor. Also called: Gastrointestinal stromal tumor, somatic; Gastrointestinal stroma tumor. Identifiers: Orphanet 44890, MedGen C0238198, MeSH D046152, MONDO:0011719, OMIM 606764, HP:0100723.

Submissions (3):

Myriad Genetics, Inc.
Classification: Benign for Polyps, multiple and recurrent inflammatory fibroid, gastrointestinal. Last evaluated: 2026-06-17. Review status: criteria provided, single submitter. Criteria: Myriad Autosomal Dominant, Autosomal Recessive and X-Linked Classification Criteria (2023). Collection method: clinical testing. Allele origin: unknown.
Comment: This variant is considered benign. This variant is a silent/synonymous amino acid change and it is not expected to impact splicing.

Labcorp Genetics (formerly Invitae), Labcorp
Classification: Likely benign for Gastrointestinal stromal tumor. Last evaluated: 2024-11-06. Review status: criteria provided, single submitter. Criteria: Invitae Variant Classification Sherloc (09022015). Collection method: clinical testing. Allele origin: germline.

Ambry Genetics
Classification: Likely benign for Hereditary cancer-predisposing syndrome. Last evaluated: 2023-03-18. Review status: criteria provided, single submitter. Criteria: Ambry Variant Classification Scheme 2023. Collection method: clinical testing. Allele origin: germline.

NM_006206.6(PDGFRA):c.2121C>A (p.Ile707=)

Gene: PDGFRA (platelet derived growth factor receptor alpha; plus strand). Cytogenetic location: 4q12.
Variant type: single nucleotide variant.
Coding change: c.2121C>A on transcript NM_006206.6 (MANE Select); coding-DNA position 2121, C replaced by A.
Protein change: p.Ile707=; no amino-acid change (isoleucine 707 retained).
Molecular consequence: synonymous variant.
Genome position (GRCh38, 1-based): chr4:54,278,480, C>A. VCF-style: chr4-54278480-C-A. GRCh37 (hg19) VCF-style: chr4-55144647-C-A.
Other names: c.2121C>A, p.Ile707= (NM_001347827.2, NM_001347829.2); c.2196C>A, p.Ile732= (NM_001347828.2); c.2160C>A, p.Ile720= (NM_001347830.2).
Identifiers: ClinVar variation 705656 (VCV000705656.12), dbSNP rs1560483852, ClinGen allele CA439287509.